The following is an entry in ClinVar:

ClinVar aggregate classification (germline): Uncertain significance (1 of 4 stars; one submission).

Submission:

Labcorp Genetics (formerly Invitae), Labcorp
Classification: Uncertain significance. Last evaluated: 2024-03-02. Review status: criteria provided, single submitter. Criteria: Invitae Variant Classification Sherloc (09022015). Collection method: clinical testing. Allele origin: germline.
Comment: This sequence change replaces glutamine, which is neutral and polar, with glutamic acid, which is acidic and polar, at codon 12 of the SMARCB1 protein (p.Gln12Glu). This variant is not present in population databases (gnomAD no frequency). This variant has not been reported in the literature in individuals affected with SMARCB1-related conditions. An algorithm developed to predict the effect of missense changes on protein structure and function (PolyPhen-2) suggests that this variant is likely to be tolerated. In summary, the available evidence is currently insufficient to determine the role of this variant in disease. Therefore, it has been classified as a Variant of Uncertain Significance.

NM_003073.5(SMARCB1):c.34C>G (p.Gln12Glu)

Gene: SMARCB1 (SWI/SNF related BAF chromatin remodeling complex subunit B1; plus strand). Cytogenetic location: 22q11.23.
Variant type: single nucleotide variant.
Coding change: c.34C>G on transcript NM_003073.5 (MANE Select); coding-DNA position 34, C replaced by G.
Protein change: p.Gln12Glu; replaces glutamine 12 with glutamic acid.
Molecular consequence: missense variant.
Genome position (GRCh38, 1-based): chr22:23,787,203, C>G. VCF-style: chr22-23787203-C-G. GRCh37 (hg19) VCF-style: chr22-24129390-C-G.
Other names: c.34C>G, p.Gln12Glu (NM_001007468.3, NM_001317946.2, NM_001362877.2); short protein forms Q12E.
Identifiers: ClinVar variation 3644142 (VCV003644142.2).